The following is an entry in ClinVar:

ClinVar aggregate classification (germline): Uncertain significance. Review status: criteria provided, multiple submitters, no conflicts (2 of 4 stars). 2 submissions from 2 submitters: Uncertain significance (2). Last evaluated 2024-04-08.

gnomAD v4.1: 517 of 1,612,884 alleles (0.032%); highest among the groups gnomAD compares: Non-Finnish European, 0.041%; no homozygotes.

Submissions (2):

Ambry Genetics
Classification: Uncertain significance. Last evaluated: 2024-04-08. Review status: criteria provided, single submitter. Criteria: Ambry Variant Classification Scheme 2023. Collection method: clinical testing. Allele origin: germline.

GeneDx
Classification: Uncertain significance. Last evaluated: 2022-08-08. Review status: criteria provided, single submitter. Criteria: GeneDx Variant Classification Process June 2021. Collection method: clinical testing. Allele origin: germline. Affected: yes.
Comment: In silico analysis supports that this missense variant does not alter protein structure/function; Has not been previously published as pathogenic or benign to our knowledge; Variants in candidate genes are classified as variants of uncertain significance in accordance with ACMG guidelines (Richards et al., 2015)

NM_003458.4(BSN):c.5525A>G (p.His1842Arg)

Gene: BSN (bassoon presynaptic cytomatrix protein; plus strand). Cytogenetic location: 3p21.31.
Variant type: single nucleotide variant.
Coding change: c.5525A>G on transcript NM_003458.4 (MANE Select); coding-DNA position 5525, A replaced by G.
Protein change: p.His1842Arg; replaces histidine 1842 with arginine.
Molecular consequence: missense variant.
Genome position (GRCh38, 1-based): chr3:49,655,081, A>G. VCF-style: chr3-49655081-A-G. GRCh37 (hg19) VCF-style: chr3-49692514-A-G.
Other names: short protein forms H1842R.
Identifiers: ClinVar variation 3261926 (VCV003261926.2).
Genomic context (GRCh38, chr3:49,655,081, plus strand): 5'-GCACCGCCCAGAGCATTGGCCTCAAGCCAGGCCCAGTGCCAGAGCCAGGTGCCGAGCCCC[A>G]CCGGGCCACCCCTGCAGAGCTGCGGTCACATGCTCTGCCAGGTGCCAGGAAGCCACACAC-3'
Protein context (NP_003449.2, residues 1832-1852): GPVPEPGAEP[His1842Arg]RATPAELRSH